The following is an entry in ClinVar:

NM_001379291.1(BRD4):c.251A>G (p.Gln84Arg)

Gene: BRD4 (bromodomain containing 4; minus strand). Cytogenetic location: 19p13.12.
Variant type: single nucleotide variant.
Coding change: c.251A>G on transcript NM_001379291.1 (MANE Select); coding-DNA position 251, A replaced by G.
Protein change: p.Gln84Arg; replaces glutamine 84 with arginine.
Molecular consequence: missense variant.
Genome position (GRCh38, 1-based): chr19:15,272,849, T>C on the plus strand (A>G on the coding strand, the complement: BRD4 is on the minus strand). VCF-style: chr19-15272849-T-C. GRCh37 (hg19) VCF-style: chr19-15383660-T-C.
Other names: c.251A>G, p.Gln84Arg (NM_001330384.2, NM_001379292.1, NM_014299.3 and 1 more transcripts); short protein forms Q84R.
Identifiers: ClinVar variation 3378382 (VCV003378382.1).
Genomic context (GRCh38, chr19:15,272,849, plus strand): 5'-CCCTGGGCCCTGCCCACACTACTCACAGGGAGGTTCAGCTTGACGGCATCCACAGGCTGC[T>C]GGAAAGGCCATGCAAACTGGTGTTTCCATAGTGTCTTGAGCACCACTCTGAGCAGGTATT-3'
Protein context (NP_001366220.1, residues 74-94): LWKHQFAWPF[Gln84Arg]QPVDAVKLNL

ClinVar aggregate classification (germline): Uncertain significance (1 of 4 stars; one submission).

Submission:

GeneDx
Classification: Uncertain significance. Last evaluated: 2024-05-14. Review status: criteria provided, single submitter. Criteria: GeneDx Variant Classification Process June 2021. Collection method: clinical testing. Allele origin: germline. Affected: yes.
Comment: Not observed at significant frequency in large population cohorts (gnomAD); In silico analysis indicates that this missense variant does not alter protein structure/function; Has not been previously published as pathogenic or benign to our knowledge